The following is an entry in ClinVar:

NM_020975.6(RET):c.1804A>T (p.Ile602Phe)

Gene: RET (ret proto-oncogene; plus strand). Cytogenetic location: 10q11.21.
Variant type: single nucleotide variant.
Coding change: c.1804A>T on transcript NM_020975.6 (MANE Select); coding-DNA position 1804, A replaced by T.
Protein change: p.Ile602Phe; replaces isoleucine 602 with phenylalanine.
Molecular consequence: missense variant.
Genome position (GRCh38, 1-based): chr10:43,113,600, A>T. VCF-style: chr10-43113600-A-T. GRCh37 (hg19) VCF-style: chr10-43609048-A-T.
Other names: c.1804A>T, p.Ile602Phe (NM_000323.2, NM_001406743.1, NM_001406744.1 and 6 more transcripts); c.1042A>T, p.Ile348Phe (NM_001355216.2); c.1675A>T, p.Ile559Phe (NM_001406761.1, NM_001406762.1, NM_001406764.1 and 1 more transcripts); c.1516A>T, p.Ile506Phe (NM_001406766.1, NM_001406767.1, NM_001406770.1); c.1408A>T, p.Ile470Phe (NM_001406769.1, NM_001406772.1); c.1366A>T, p.Ile456Phe (NM_001406771.1, NM_001406773.1); c.1279A>T, p.Ile427Phe (NM_001406774.1); c.1078A>T, p.Ile360Phe (NM_001406775.1, NM_001406776.1, NM_001406777.1 and 1 more transcripts); and 5 more; short protein forms I348F, I602F, I119F, I207F, I260F, I559F, I272F, I303F.
Identifiers: ClinVar variation 1041457 (VCV001041457.13), dbSNP rs1837992915, ClinGen allele CA376552667.
Genomic context (GRCh38, chr10:43,113,600, plus strand): 5'-CTACGTCTGCCCTCAGGGGGCAGCATTGTTGGGGGACACGAGCCTGGGGAGCCCCGGGGG[A>T]TTAAAGCTGGCTATGGCACCTGCAACTGCTTCCCTGAGGAGGAGAAGTGCTTCTGCGAGC-3'
Protein context (NP_066124.1, residues 592-612): GGHEPGEPRG[Ile602Phe]KAGYGTCNCF

ClinVar aggregate classification (germline): Uncertain significance. Review status: criteria provided, multiple submitters, no conflicts (2 of 4 stars). 2 submissions from 2 submitters: Uncertain significance (2). Last evaluated 2025-11-05.

Conditions:
Multiple endocrine neoplasia, type 2 (MEN2). Identifiers: Orphanet 653, MedGen C4048306, MONDO:0019003. Disease mechanism: gain of function.
Hereditary cancer-predisposing syndrome. Also called: Hereditary Cancer Syndrome; Tumor predisposition; Hereditary neoplastic syndrome; Neoplastic Syndromes, Hereditary. Identifiers: Orphanet 140162, MedGen C0027672, MeSH D009386, MONDO:0015356.

gnomAD v4.1: 1 of 1,612,234 alleles (0.000062%); no homozygotes.

Submissions (2):

Labcorp Genetics (formerly Invitae), Labcorp
Classification: Uncertain significance for Multiple endocrine neoplasia, type 2. Last evaluated: 2025-11-05. Review status: criteria provided, single submitter. Criteria: Invitae Variant Classification Sherloc (09022015). Collection method: clinical testing. Allele origin: germline.
Comment: This sequence change replaces isoleucine, which is neutral and non-polar, with phenylalanine, which is neutral and non-polar, at codon 602 of the RET protein (p.Ile602Phe). This variant is not present in population databases (gnomAD no frequency). This variant has not been reported in the literature in individuals affected with RET-related conditions. ClinVar contains an entry for this variant (Variation ID: 1041457). An algorithm developed to predict the effect of missense changes on protein structure and function (PolyPhen-2) suggests that this variant is likely to be disruptive. In summary, the available evidence is currently insufficient to determine the role of this variant in disease. Therefore, it has been classified as a Variant of Uncertain Significance.

Ambry Genetics
Classification: Uncertain significance for Hereditary cancer-predisposing syndrome. Last evaluated: 2025-09-26. Review status: criteria provided, single submitter. Criteria: Ambry Variant Classification Scheme 2023. Collection method: clinical testing. Allele origin: germline.
Comment: The p.I602F variant (also known as c.1804A>T), located in coding exon 10 of the RET gene, results from an A to T substitution at nucleotide position 1804. The isoleucine at codon 602 is replaced by phenylalanine, an amino acid with highly similar properties. This amino acid position is highly conserved in available vertebrate species. In addition, this alteration is predicted to be deleterious by in silico analysis. Since supporting evidence is limited at this time, the clinical significance of this alteration remains unclear.